The following is an entry in ClinVar:

NM_001042492.3(NF1):c.1481del (p.Leu494fs)

Gene: NF1 (neurofibromin 1; plus strand). Cytogenetic location: 17q11.2.
Variant type: Deletion.
Coding change: c.1481del on transcript NM_001042492.3 (MANE Select); coding-DNA position 1481, one base deleted (T; older notation c.1481delT).
Protein change: p.Leu494fs; shifts the reading frame from leucine 494.
Molecular consequence: frameshift variant.
Genome position (GRCh38, 1-based): chr17:31,214,539, T deleted; the last of 2 consecutive T bases (chr17:31,214,538-31,214,539); deleting either gives the same sequence. VCF-style (leftmost placement, unchanged base first): chr17-31214537-CT-C. GRCh37 (hg19) VCF-style: chr17-29541555-CT-C.
Other names: c.1481delT, p.Leu494Cysfs (NM_000267.4); c.1481del, p.Leu494fs (NM_001128147.3); short protein forms L494fs.
Identifiers: ClinVar variation 2759791 (VCV002759791.3), dbSNP rs2544829628, ClinGen allele CA2697559678.

ClinVar aggregate classification (germline): Pathogenic (1 of 4 stars; one submission).

Conditions:
Neurofibromatosis, type 1 (NF1). Also called: VON RECKLINGHAUSEN DISEASE; NEUROFIBROMATOSIS, TYPE I, SOMATIC; Peripheral type neurofibromatosis; Neurofibromatosis, type I. Identifiers: Orphanet 636, MedGen C0027831, MONDO:0018975, OMIM 162200. Disease mechanism: loss of function.

Submission:

Labcorp Genetics (formerly Invitae), Labcorp
Classification: Pathogenic for Neurofibromatosis, type 1. Last evaluated: 2024-03-25. Review status: criteria provided, single submitter. Criteria: Invitae Variant Classification Sherloc (09022015). Collection method: clinical testing. Allele origin: germline.
Comment: This sequence change creates a premature translational stop signal (p.Leu494Cysfs*4) in the NF1 gene. It is expected to result in an absent or disrupted protein product. Loss-of-function variants in NF1 are known to be pathogenic (PMID: 10712197, 23913538). This variant is not present in population databases (gnomAD no frequency). This premature translational stop signal has been observed in individual(s) with neurofibromatosis, type 1 (PMID: 36890482). For these reasons, this variant has been classified as Pathogenic.

Literature cited by the submitters: PubMed 10712197; PubMed 23913538; PubMed 36890482.